The following is an entry in ClinVar:

NM_004006.3(DMD):c.6762+3A>T

Gene: DMD (dystrophin; minus strand). Cytogenetic location: Xp21.1.
Variant type: single nucleotide variant.
Coding change: c.6762+3A>T on transcript NM_004006.3 (MANE Select); 3 bases into the intron after coding-DNA position 6762, A replaced by T.
Molecular consequence: intron variant.
Genome position (GRCh38, 1-based): chrX:31,932,077, T>A on the plus strand (A>T on the coding strand, the complement: DMD is on the minus strand). VCF-style: chrX-31932077-T-A. GRCh37 (hg19) VCF-style: chrX-31950194-T-A.
Other names: c.6738+3A>T (NM_000109.4); c.2739+3A>T (NM_004011.4); c.2730+3A>T (NM_004012.4); c.-619+3A>T (NM_004023.3, NM_004020.4, NM_004022.3 and 2 more transcripts); c.6750+3A>T (NM_004009.3); c.6393+3A>T (NM_004010.3).
Identifiers: ClinVar variation 426815 (VCV000426815.14), dbSNP rs1085307811, ClinGen allele CA645293927.
Genomic context (GRCh38, chrX:31,932,077, plus strand): 5'-AAAATAGATTCATATACTTCTTTATGCAAGCAGGCCCTGGGGGATTTGAGAAAATAAAAT[T>A]ACCTTGACTTGCTCAAGCTTTTCTTTTAGTTGCTGCTCTTTTCCAGGTTCAAGTGGGATA-3'

ClinVar aggregate classification (germline): Conflicting classifications of pathogenicity. Review status: criteria provided, conflicting classifications (1 of 4 stars). 3 submissions from 3 submitters: Likely pathogenic (1); Uncertain significance (2). Last evaluated 2024-09-27.

Conditions:
Duchenne muscular dystrophy (DMD). Also called: MUSCULAR DYSTROPHY, PSEUDOHYPERTROPHIC PROGRESSIVE, DUCHENNE TYPE; Duchenne Muscular Dystrophy (DMD). Identifiers: Orphanet 98896, MedGen C0013264, MONDO:0010679, OMIM 310200.

Submissions (3):

Revvity Omics, Revvity
Classification: Uncertain significance. Last evaluated: 2024-09-27. Review status: criteria provided, single submitter. Criteria: ACMG Guidelines, 2015. Collection method: clinical testing. Allele origin: germline.

Labcorp Genetics (formerly Invitae), Labcorp
Classification: Uncertain significance for Duchenne muscular dystrophy. Last evaluated: 2021-11-21. Review status: criteria provided, single submitter. Criteria: Invitae Variant Classification Sherloc (09022015). Collection method: clinical testing. Allele origin: germline.
Comment: This sequence change falls in intron 46 of the DMD gene. It does not directly change the encoded amino acid sequence of the DMD protein. It affects a nucleotide within the consensus splice site. This variant is not present in population databases (gnomAD no frequency). This variant has been observed in individual(s) with clinical features of DMD-related conditions (Invitae). ClinVar contains an entry for this variant (Variation ID: 426815). Variants that disrupt the consensus splice site are a relatively common cause of aberrant splicing (PMID: 17576681, 9536098). Algorithms developed to predict the effect of sequence changes on RNA splicing suggest that this variant may disrupt the consensus splice site. In summary, the available evidence is currently insufficient to determine the role of this variant in disease. Therefore, it has been classified as a Variant of Uncertain Significance.

GeneDx
Classification: Likely pathogenic. Last evaluated: 2021-08-28. Review status: criteria provided, single submitter. Criteria: GeneDx Variant Classification Process June 2021. Collection method: clinical testing. Allele origin: germline. Affected: yes.
Comment: Not observed in large population cohorts (Lek et al., 2016); In silico analysis supports a deleterious effect on splicing; Has not been previously published as pathogenic or benign to our knowledge

Literature cited by the submitters: PubMed 17576681 (cited by Labcorp Genetics (formerly Invitae), Labcorp); PubMed 9536098 (cited by Labcorp Genetics (formerly Invitae), Labcorp).